The following is an entry in ClinVar:

ClinVar aggregate classification (germline): Likely benign. Review status: criteria provided, multiple submitters, no conflicts (2 of 4 stars). 5 submissions from 5 submitters: Likely benign (5). Last evaluated 2025-10-21.

Conditions:
Cardiovascular phenotype. Identifiers: MedGen CN230736.
LMNA-related disorder. Also called: LMNA-related disorders; LMNA-related condition; LMNA-related disease. Identifiers: MedGen CN380145.
Charcot-Marie-Tooth disease type 2. Also called: Charcot-Marie-Tooth type 2. Identifiers: Orphanet 64746, MedGen C0270914, MONDO:0018993.
Primary dilated cardiomyopathy (DCM). Also called: Dilated Cardiomyopathy. Identifiers: Orphanet 217604, MedGen C0007193, MeSH D002311, MONDO:0005021, HP:0001644. Inheritance: Various modes of inheritance.
Cardiomyopathy (CMYO). Also called: Cardiomyopathies. Identifiers: Orphanet 167848, MedGen C0878544, MONDO:0004994, HP:0001638. Inheritance: Various modes of inheritance.

Submissions (5):

PreventionGenetics, part of Exact Sciences
Classification: Likely benign for LMNA-related condition. Last evaluated: 2025-10-21. Review status: criteria provided, single submitter. Criteria: ACMG Guidelines, 2015. Collection method: clinical testing. Allele origin: germline.
Comment: This variant is classified as likely benign based on ACMG/AMP sequence variant interpretation guidelines (Richards et al. 2015 PMID: 25741868, with internal and published modifications).

All of Us Research Program, National Institutes of Health
Classification: Likely benign for Primary dilated cardiomyopathy. Last evaluated: 2024-04-25. Review status: criteria provided, single submitter. Criteria: ACMG Guidelines, 2015. Collection method: clinical testing. Allele origin: germline. Inheritance: Autosomal dominant inheritance. Observed: 1 variant allele, 1 heterozygote.
Comment: This study involves interpretation of variants in research participants for the purpose of population health screening. Participant phenotype was not available at the time of variant classification. Additional details can be found in publication PMID: 35346344, PMCID: PMC8962531

Color Diagnostics, LLC DBA Color Health
Classification: Likely benign for Cardiomyopathy. Last evaluated: 2024-04-17. Review status: criteria provided, single submitter. Criteria: ACMG Guidelines, 2015. Collection method: clinical testing. Allele origin: germline.

Labcorp Genetics (formerly Invitae), Labcorp
Classification: Likely benign for Charcot-Marie-Tooth disease type 2. Last evaluated: 2024-02-20. Review status: criteria provided, single submitter. Criteria: Invitae Variant Classification Sherloc (09022015). Collection method: clinical testing. Allele origin: germline.

Ambry Genetics
Classification: Likely benign for Cardiovascular phenotype. Last evaluated: 2022-08-10. Review status: criteria provided, single submitter. Criteria: Ambry Variant Classification Scheme 2023. Collection method: clinical testing. Allele origin: germline.

NM_170707.4(LMNA):c.1725C>T (p.Asp575=)

Gene: LMNA (lamin A/C; plus strand). Cytogenetic location: 1q22.
Variant type: single nucleotide variant.
Coding change: c.1725C>T on transcript NM_170707.4 (MANE Select); coding-DNA position 1725, C replaced by T.
Protein change: p.Asp575=; no amino-acid change (aspartic acid 575 retained).
Molecular consequence: synonymous variant.
Genome position (GRCh38, 1-based): chr1:156,138,514, C>T. VCF-style: chr1-156138514-C-T. GRCh37 (hg19) VCF-style: chr1-156108305-C-T.
Other names: c.1389C>T, p.Asp463= (NM_001257374.3, NM_001406989.1); c.1725C>T, p.Asp575= (NM_001282626.2, NM_001406983.1, NM_001406985.1 and 1 more transcripts); c.1482C>T, p.Asp494= (NM_001406986.1, NM_001406987.1); c.1428C>T, p.Asp476= (NM_001406988.1); c.1167C>T, p.Asp389= (NM_001406990.1, NM_001406993.1, NM_001406995.1 and 2 more transcripts); c.1101C>T, p.Asp367= (NM_001406994.1, NM_001406999.1, NM_001407000.1 and 1 more transcripts); c.1635C>T, p.Asp545= (NM_170708.4); c.1725C>T (NM_170707.3).
Identifiers: ClinVar variation 1778849 (VCV001778849.9), dbSNP rs2528027194, ClinGen allele CA421257887.